The following is an entry in ClinVar:

NM_001256545.2(MEGF10):c.1846T>A (p.Ser616Thr)

Gene: MEGF10 (multiple EGF like domains 10; plus strand). Cytogenetic location: 5q23.2.
Variant type: single nucleotide variant.
Coding change: c.1846T>A on transcript NM_001256545.2 (MANE Select); coding-DNA position 1846, T replaced by A.
Protein change: p.Ser616Thr; replaces serine 616 with threonine.
Molecular consequence: missense variant.
Genome position (GRCh38, 1-based): chr5:127,434,692, T>A. VCF-style: chr5-127434692-T-A. GRCh37 (hg19) VCF-style: chr5-126770384-T-A.
Other names: c.1846T>A (NM_032446.2); c.1846T>A, p.Ser616Thr (NM_032446.3); short protein forms S616T.
Identifiers: ClinVar variation 2195278 (VCV002195278.5), dbSNP rs776403063, ClinGen allele CA3391760.
Genomic context (GRCh38, chr5:127,434,692, plus strand): 5'-ATGCGAGACAAACGCATCTCAGAAGGATAACTGCTGATTTCCCTTCTGTTTTCAGTCTGC[T>A]CCCCTGGTTTTTATGGGCATCGCTGCAGCCAGACATGCCCACAGTGCGTTCACAGCAGCG-3'
Protein context (NP_001243474.1, residues 606-626): FRGTTCQRIC[Ser616Thr]PGFYGHRCSQ

ClinVar aggregate classification (germline): Uncertain significance. Review status: criteria provided, multiple submitters, no conflicts (2 of 4 stars). 2 submissions from 2 submitters: Uncertain significance (2). Last evaluated 2025-05-03.

Conditions:
MEGF10-related myopathy (CMYO10A). Also called: Congenital myopathy 10A, severe variant. Identifiers: Orphanet 439212, MedGen C3280679, MONDO:0013731, OMIM 614399.
Inborn genetic diseases. Identifiers: MedGen C0950123, MeSH D030342.

gnomAD v4.1: 2 of 1,610,450 alleles (0.00012%); highest among the groups gnomAD compares: South Asian, 0.0022%; no homozygotes.

Submissions (2):

Ambry Genetics
Classification: Uncertain significance for Inborn genetic diseases. Last evaluated: 2025-05-03. Review status: criteria provided, single submitter. Criteria: Ambry Variant Classification Scheme 2023. Collection method: clinical testing. Allele origin: germline.

Labcorp Genetics (formerly Invitae), Labcorp
Classification: Uncertain significance for MEGF10-related myopathy. Last evaluated: 2023-12-07. Review status: criteria provided, single submitter. Criteria: Invitae Variant Classification Sherloc (09022015). Collection method: clinical testing. Allele origin: germline.
Comment: This sequence change replaces serine, which is neutral and polar, with threonine, which is neutral and polar, at codon 616 of the MEGF10 protein (p.Ser616Thr). This variant is present in population databases (rs776403063, gnomAD 0.003%). This variant has not been reported in the literature in individuals affected with MEGF10-related conditions. ClinVar contains an entry for this variant (Variation ID: 2195278). Advanced modeling of protein sequence and biophysical properties (such as structural, functional, and spatial information, amino acid conservation, physicochemical variation, residue mobility, and thermodynamic stability) performed at Invitae indicates that this missense variant is not expected to disrupt MEGF10 protein function with a negative predictive value of 80%. In summary, the available evidence is currently insufficient to determine the role of this variant in disease. Therefore, it has been classified as a Variant of Uncertain Significance.